The following is an entry in ClinVar:

NM_001271696.3(ABCB7):c.1740A>G (p.Ala580=)

Gene: ABCB7 (ATP binding cassette subfamily B member 7; minus strand). Cytogenetic location: Xq13.3.
Variant type: single nucleotide variant.
Coding change: c.1740A>G on transcript NM_001271696.3 (MANE Select); coding-DNA position 1740, A replaced by G.
Protein change: p.Ala580=; no amino-acid change (alanine 580 retained).
Molecular consequence: synonymous variant.
Genome position (GRCh38, 1-based): chrX:75,065,161, T>C on the plus strand (A>G on the coding strand, the complement: ABCB7 is on the minus strand). VCF-style: chrX-75065161-T-C. GRCh37 (hg19) VCF-style: chrX-74284996-T-C.
Other names: p.A581A:GCA>GCG; c.1620A>G, p.Ala540= (NM_001271697.3); c.1662A>G, p.Ala554= (NM_001271698.3); c.1623A>G, p.Ala541= (NM_001271699.3); c.1743A>G, p.Ala581= (NM_004299.6).
Identifiers: ClinVar variation 136246 (VCV000136246.18), dbSNP rs1340990, ClinGen allele CA289228.

ClinVar aggregate classification (germline): Benign/Likely benign. Review status: criteria provided, multiple submitters, no conflicts (2 of 4 stars). 5 submissions from 5 submitters: Benign (3); Likely benign (1). 1 of the submissions does not count toward it. Last evaluated 2026-01-26.

Allele frequency attached by ClinVar (database versions not stated): gnomAD exomes 0.01124 and 0.03198; ExAC 0.04139; gnomAD 0.11053 and 0.11850; 1000 Genomes Project 0.11788; 1000 Genomes Project 30x 0.12279; TOPMed 0.12714; ESP Exome Variant Server 0.13538.
gnomAD v4.1: 25,224 of 1,207,216 alleles (2.1%); highest among the groups gnomAD compares: African/African-American, 39%; 3,329 homozygotes.

Submissions (5):

Labcorp Genetics (formerly Invitae), Labcorp
Classification: Benign. Last evaluated: 2026-01-26. Review status: criteria provided, single submitter. Criteria: Invitae Variant Classification Sherloc (09022015). Collection method: clinical testing. Allele origin: germline.

Blueprint Genetics
Classification: Likely benign. Last evaluated: 2024-11-27. Review status: criteria provided, single submitter. Criteria: ACMG Guidelines, 2015. Collection method: clinical testing. Allele origin: germline.

GeneDx
Classification: Benign. Last evaluated: 2012-04-03. Review status: criteria provided, single submitter. Criteria: GeneDx Variant Classification (06012015). Collection method: clinical testing. Allele origin: germline. Affected: yes.
Comment: This variant is considered likely benign or benign based on one or more of the following criteria: it is a conservative change, it occurs at a poorly conserved position in the protein, it is predicted to be benign by multiple in silico algorithms, and/or has population frequency not consistent with disease.

Breakthrough Genomics
Classification: Benign. Review status: criteria provided, single submitter. Criteria: ACMG Guidelines, 2015. Collection method: not provided. Allele origin: germline. Inheritance: X-linked inheritance. Affected: yes.

Mayo Clinic Laboratories, Mayo Clinic
Classification: Benign. Last evaluated: 2017-09-15. Review status: no assertion criteria provided. Collection method: clinical testing. Allele origin: unknown. Not counted in ClinVar's aggregate classification.